The following is an entry in ClinVar:

ClinVar aggregate classification (germline): Uncertain significance (1 of 4 stars; one submission).

Submission:

Labcorp Genetics (formerly Invitae), Labcorp
Classification: Uncertain significance. Last evaluated: 2025-07-15. Review status: criteria provided, single submitter. Criteria: Invitae Variant Classification Sherloc (09022015). Collection method: clinical testing. Allele origin: germline.
Comment: This sequence change affects codon 80 of the DDX58 mRNA. It is a 'silent' change, meaning that it does not change the encoded amino acid sequence of the DDX58 protein. It affects a nucleotide within the consensus splice site. This variant is not present in population databases (gnomAD no frequency). This variant has not been reported in the literature in individuals affected with DDX58-related conditions. Algorithms developed to predict the effect of sequence changes on RNA splicing suggest that this variant is not likely to affect RNA splicing. In summary, the available evidence is currently insufficient to determine the role of this variant in disease. Therefore, it has been classified as a Variant of Uncertain Significance.

NM_014314.4(RIGI):c.240A>G (p.Ala80=)

Gene: RIGI (RNA sensor RIG-I; minus strand). Cytogenetic location: 9p21.1.
Variant type: single nucleotide variant.
Coding change: c.240A>G on transcript NM_014314.4 (MANE Select); coding-DNA position 240, A replaced by G.
Protein change: p.Ala80=; no amino-acid change (alanine 80 retained).
Molecular consequence: synonymous variant. On other transcripts: 5 prime UTR variant (3).
Genome position (GRCh38, 1-based): chr9:32,500,806, T>C on the plus strand (A>G on the coding strand, the complement: RIGI is on the minus strand). VCF-style: chr9-32500806-T-C. GRCh37 (hg19) VCF-style: chr9-32500804-T-C.
Other names: c.240A>G, p.Ala80= (NM_001385907.1, NM_001385909.1, NM_001385913.1); c.-215A>G (NM_001385910.1, NM_001385914.1); c.-222A>G (NM_001385912.1).
Identifiers: ClinVar variation 4704153 (VCV004704153.1).